The following is an entry in ClinVar:

NM_000138.5(FBN1):c.88G>T (p.Glu30Ter)

Gene: FBN1 (fibrillin 1; minus strand). Cytogenetic location: 15q21.1.
Variant type: single nucleotide variant.
Coding change: c.88G>T on transcript NM_000138.5 (MANE Select); coding-DNA position 88, G replaced by T.
Protein change: p.Glu30Ter; replaces glutamic acid 30 with a stop codon.
Molecular consequence: nonsense.
Genome position (GRCh38, 1-based): chr15:48,644,682, C>A on the plus strand (G>T on the coding strand, the complement: FBN1 is on the minus strand). VCF-style: chr15-48644682-C-A. GRCh37 (hg19) VCF-style: chr15-48936879-C-A.
Other names: c.88G>T, p.Glu30Ter (NM_001406716.1, NM_001406717.1, NM_001406718.1); short protein forms E30*.
Identifiers: ClinVar variation 1765054 (VCV001765054.2), dbSNP rs2505822076, ClinGen allele CA392453684.

ClinVar aggregate classification (germline): Pathogenic (1 of 4 stars; one submission).

Conditions:
Familial thoracic aortic aneurysm and aortic dissection (TAAD). Also called: Thoracic aortic aneurysms and dissections. Identifiers: Orphanet 91387, MedGen C4707243, MONDO:0019625.

Submission:

Ambry Genetics
Classification: Pathogenic for Familial thoracic aortic aneurysm and aortic dissection. Last evaluated: 2021-04-22. Review status: criteria provided, single submitter. Criteria: Ambry Variant Classification Scheme 2023. Collection method: clinical testing. Allele origin: germline.
Comment: The p.E30* pathogenic mutation (also known as c.88G>T), located in coding exon 1 of the FBN1 gene, results from a G to T substitution at nucleotide position 88. This changes the amino acid from a glutamic acid to a stop codon within coding exon 1. The predicted stop codon occurs within the first 150 nucleotides of theFBN1 gene. This alteration may escape nonsense-mediated mRNAdecay and/or be rescued by re-initiation (Rivas et al. Science. 2015 May 8;348(6235):666-9; Lindeboom et al. Nat Genet. 2016 Oct;48(10):1112-8; Rhee et al. Sci Rep. 2017 May 10;7(1):1653). However, the impacted region is critical for protein function (Ambry internal data). Furthermore, this alteration has been reported in association with Marfan syndrome (Turner CL et al. Am. J. Med. Genet. A, 2009 Feb;149A:161-70). Based on the supporting evidence, this alteration is interpreted as a disease-causing mutation.

Literature cited by the submitters: PubMed 19161152.